The following is an entry in ClinVar:

ClinVar aggregate classification (germline): Pathogenic. Review status: criteria provided, multiple submitters, no conflicts (2 of 4 stars). 2 submissions from 2 submitters: Pathogenic (2). Last evaluated 2025-07-09.

Conditions:
Cardiac anomalies - developmental delay - facial dysmorphism syndrome (MRFACD). Also called: Impaired intellectual development and distinctive facial features with or without cardiac defects; MED13L Syndrome. Identifiers: Orphanet 369891, MedGen C5192431, MONDO:0014773, OMIM 616789.

Submissions (2):

GeneDx
Classification: Pathogenic. Last evaluated: 2025-07-09. Review status: criteria provided, single submitter. Criteria: GeneDx Variant Classification Process June 2021. Collection method: clinical testing. Allele origin: germline. Affected: yes.
Comment: Nonsense variant predicted to result in protein truncation or nonsense mediated decay in a gene for which loss of function is a known mechanism of disease; Not observed at significant frequency in large population cohorts (gnomAD); This variant is associated with the following publications: (PMID: 37516429, 34713510)

Laboratory of Human Genetics, Universidade de São Paulo
Classification: Pathogenic for Cardiac anomalies - developmental delay - facial dysmorphism syndrome. Last evaluated: 2021-01-05. Review status: criteria provided, single submitter. Criteria: ACMG Guidelines, 2015. Collection method: clinical testing. Allele origin: germline. Inheritance: Autosomal dominant inheritance. Affected: yes. Observed: 2 variant alleles, 2 heterozygotes. Clinical features observed: Intellectual disability (HP:0001249), Delayed speech and language development (HP:0000750).
Comment: CNVs (Copy Number Variations), SNVs (Single Nucleotide Variations) and indels involving the MED13L gene (mediator complex subunit 13 like - OMIM*608771) can lead to an autosomal dominant clinical condition (Mental retardation and distinctive facial features with or without cardiac defects; MRFACD OMIM#616789) characterized by intellectual disability (ID) associated with facial dysmorphisms in which heart defects have incomplete penetrance (Cafiero et al., 2015; Asadollahi et al., 2017). ACMG rules for the variant: PVS1 and PM2

Literature cited by the submitters: DOI 10.1038/ejhg.2015.19 (cited by Laboratory of Human Genetics, Universidade de São Paulo); DOI 10.1016/j.ejmg.2017.06.004 (cited by Laboratory of Human Genetics, Universidade de São Paulo).

NM_015335.5(MED13L):c.4417C>T (p.Gln1473Ter)

Gene: MED13L (mediator complex subunit 13L; minus strand). Cytogenetic location: 12q24.21.
Variant type: single nucleotide variant.
Coding change: c.4417C>T on transcript NM_015335.5 (MANE Select); coding-DNA position 4417, C replaced by T.
Protein change: p.Gln1473Ter; replaces glutamine 1473 with a stop codon.
Molecular consequence: nonsense.
Genome position (GRCh38, 1-based): chr12:115,984,294, G>A on the plus strand (C>T on the coding strand, the complement: MED13L is on the minus strand). VCF-style: chr12-115984294-G-A. GRCh37 (hg19) VCF-style: chr12-116422099-G-A.
Other names: c.4417C>T (NM_015335.4); short protein forms Q1473*.
Identifiers: ClinVar variation 996080 (VCV000996080.3), dbSNP rs1877535811, ClinGen allele CA386883690.